The following is an entry in ClinVar:

ClinVar aggregate classification (germline): Uncertain significance (1 of 4 stars; one submission).

gnomAD v4.1: 2 of 1,614,234 alleles (0.00012%); highest among the groups gnomAD compares: Non-Finnish European, 0.00017%; no homozygotes.

Submission:

Labcorp Genetics (formerly Invitae), Labcorp
Classification: Uncertain significance. Last evaluated: 2025-01-26. Review status: criteria provided, single submitter. Criteria: Invitae Variant Classification Sherloc (09022015). Collection method: clinical testing. Allele origin: germline.
Comment: This sequence change replaces asparagine, which is neutral and polar, with isoleucine, which is neutral and non-polar, at codon 101 of the NFE2L2 protein (p.Asn101Ile). This variant is present in population databases (rs371831443, gnomAD 0.0009%). This variant has not been reported in the literature in individuals affected with NFE2L2-related conditions. An algorithm developed to predict the effect of missense changes on protein structure and function (PolyPhen-2) suggests that this variant is likely to be tolerated. In summary, the available evidence is currently insufficient to determine the role of this variant in disease. Therefore, it has been classified as a Variant of Uncertain Significance.

NM_006164.5(NFE2L2):c.302A>T (p.Asn101Ile)

Gene: NFE2L2 (NFE2 like bZIP transcription factor 2; minus strand). Cytogenetic location: 2q31.2.
Variant type: single nucleotide variant.
Coding change: c.302A>T on transcript NM_006164.5 (MANE Select); coding-DNA position 302, A replaced by T.
Protein change: p.Asn101Ile; replaces asparagine 101 with isoleucine.
Molecular consequence: missense variant. On other transcripts: intron variant (2).
Genome position (GRCh38, 1-based): chr2:177,234,015, T>A on the plus strand (A>T on the coding strand, the complement: NFE2L2 is on the minus strand). VCF-style: chr2-177234015-T-A. GRCh37 (hg19) VCF-style: chr2-178098743-T-A.
Other names: c.93+209A>T (NM_001313903.2); c.254A>T, p.Asn85Ile (NM_001145412.3, NM_001145413.3, NM_001313900.1 and 1 more transcripts); c.302A>T, p.Asn101Ile (NM_001313902.2); c.12+61A>T (NM_001313904.1); short protein forms N101I, N85I.
Identifiers: ClinVar variation 3685342 (VCV003685342.2).
Genomic context (GRCh38, chr2:177,234,015, plus strand): 5'-GTGTTTCCTTAAACCTGCCATAACTTTCCCAAGAACTGAGTACTCTGTACCTGGGAGTAG[T>A]TGGCAGATCCACTGGTTTCTGACTGGATGTGCTGGGCTGGCTGAATTGGGAGAAATTCAC-3'
Protein context (NP_006155.2, residues 91-111): HIQSETSGSA[Asn101Ile]YSQVAHIPKS